The following is an entry in ClinVar:

ClinVar aggregate classification (germline): Uncertain significance (1 of 4 stars; one submission).

Conditions:
Hypertrophic cardiomyopathy. Also called: HYPERTROPHIC MYOCARDIOPATHY. Identifiers: Orphanet 217569, MedGen C0007194, MeSH D002312, MONDO:0005045, HP:0001639.

Submission:

Labcorp Genetics (formerly Invitae), Labcorp
Classification: Uncertain significance for Hypertrophic cardiomyopathy. Last evaluated: 2023-10-13. Review status: criteria provided, single submitter. Criteria: Invitae Variant Classification Sherloc (09022015). Collection method: clinical testing. Allele origin: germline.
Comment: This sequence change replaces glycine, which is neutral and non-polar, with cysteine, which is neutral and slightly polar, at codon 721 of the MYOM1 protein (p.Gly721Cys). This variant is not present in population databases (gnomAD no frequency). This variant has not been reported in the literature in individuals affected with MYOM1-related conditions. ClinVar contains an entry for this variant (Variation ID: 1933657). Advanced modeling of protein sequence and biophysical properties (such as structural, functional, and spatial information, amino acid conservation, physicochemical variation, residue mobility, and thermodynamic stability) performed at Invitae indicates that this missense variant is not expected to disrupt MYOM1 protein function. In summary, the available evidence is currently insufficient to determine the role of this variant in disease. Therefore, it has been classified as a Variant of Uncertain Significance.

NM_003803.4(MYOM1):c.2161G>T (p.Gly721Cys)

Gene: MYOM1 (myomesin 1; minus strand). Cytogenetic location: 18p11.31.
Variant type: single nucleotide variant.
Coding change: c.2161G>T on transcript NM_003803.4 (MANE Select); coding-DNA position 2161, G replaced by T.
Protein change: p.Gly721Cys; replaces glycine 721 with cysteine.
Molecular consequence: missense variant.
Genome position (GRCh38, 1-based): chr18:3,135,595, C>A on the plus strand (G>T on the coding strand, the complement: MYOM1 is on the minus strand). VCF-style: chr18-3135595-C-A. GRCh37 (hg19) VCF-style: chr18-3135593-C-A.
Other names: c.2161G>T, p.Gly721Cys (NM_019856.2); short protein forms G721C.
Identifiers: ClinVar variation 1933657 (VCV001933657.5), dbSNP rs747350384, ClinGen allele CA401712964.